The following is an entry in ClinVar:

ClinVar aggregate classification (germline): Pathogenic. Review status: criteria provided, multiple submitters, no conflicts (2 of 4 stars). 6 submissions from 6 submitters: Pathogenic (5). 1 of the submissions does not count toward it. Last evaluated 2024-10-16.

Conditions:
TRIM37-related disorder. Also called: TRIM37-related condition.
Mulibrey nanism syndrome. Also called: MUSCLE-LIVER-BRAIN-EYE NANISM; PERHEENTUPA SYNDROME; PERICARDIAL CONSTRICTION AND GROWTH FAILURE. Identifiers: Orphanet 2576, MedGen C0524582, MONDO:0009664, OMIM 253250.

Allele frequency attached by ClinVar (database versions not stated): TOPMed below 0.00001; gnomAD exomes 0.00028 and 0.00079; 1000 Genomes Project 30x 0.00031; 1000 Genomes Project 0.00040; ExAC 0.00054; gnomAD 0.00065 and 0.00070.
gnomAD v4.1: 504 of 1,613,746 alleles (0.031%); highest among the groups gnomAD compares: Non-Finnish European, 0.0012%; no homozygotes.

Submissions (6):

Blueprint Genetics
Classification: Pathogenic for TRIM37-related disorders. Last evaluated: 2024-10-16. Review status: criteria provided, single submitter. Criteria: ACMG Guidelines, 2015. Collection method: clinical testing. Allele origin: germline. Affected: yes. Observed: 5 variant alleles.

Mayo Clinic Laboratories, Mayo Clinic
Classification: Pathogenic. Last evaluated: 2024-04-15. Review status: criteria provided, single submitter. Criteria: ACMG Guidelines, 2015. Collection method: clinical testing. Allele origin: germline. Observed: 1 variant allele.
Comment: PS4, PVS1

Baylor Genetics
Classification: Pathogenic for Mulibrey nanism syndrome. Last evaluated: 2024-03-12. Review status: criteria provided, single submitter. Criteria: ACMG Guidelines, 2015. Collection method: clinical testing. Allele origin: unknown.

Labcorp Genetics (formerly Invitae), Labcorp
Classification: Pathogenic. Last evaluated: 2024-01-20. Review status: criteria provided, single submitter. Criteria: Invitae Variant Classification Sherloc (09022015). Collection method: clinical testing. Allele origin: germline.
Comment: This sequence change falls in intron 6 of the TRIM37 gene. It does not directly change the encoded amino acid sequence of the TRIM37 protein. It affects a nucleotide within the consensus splice site. This variant is present in population databases (rs186251998, gnomAD 0.8%), and has an allele count higher than expected for a pathogenic variant. This variant has been observed in individual(s) with Mulibrey nanism (PMID: 10888877, 21865362, 31618753). It is commonly reported in individuals of Finnish ancestry (PMID: 10888877, 21865362, 36285626). ClinVar contains an entry for this variant (Variation ID: 5240). Algorithms developed to predict the effect of variants on protein structure and function are not available or were not evaluated for this variant. Experimental studies have shown that this variant affects TRIM37 function (PMID: 37528081). Variants that disrupt the consensus splice site are a relatively common cause of aberrant splicing (PMID: 17576681, 9536098). Algorithms developed to predict the effect of sequence changes on RNA splicing suggest that this variant may disrupt the consensus splice site. For these reasons, this variant has been classified as Pathogenic.

Fulgent Genetics
Classification: Pathogenic for Mulibrey nanism syndrome. Last evaluated: 2024-01-18. Review status: criteria provided, single submitter. Criteria: ACMG Guidelines, 2015. Collection method: clinical testing. Allele origin: germline.

OMIM
Classification: Pathogenic for MULIBREY NANISM. Last evaluated: 2000-07-01. Review status: no assertion criteria provided. Collection method: literature only. Allele origin: germline. Not counted in ClinVar's aggregate classification.

Literature cited by the submitters: PubMed 10888877 (cited by 3 submitters); PubMed 16306379 (cited by Mayo Clinic Laboratories, Mayo Clinic); PubMed 21865362 (cited by Mayo Clinic Laboratories, Mayo Clinic and Labcorp Genetics (formerly Invitae), Labcorp); PubMed 25525159 (cited by Mayo Clinic Laboratories, Mayo Clinic); PubMed 30586926 (cited by Mayo Clinic Laboratories, Mayo Clinic); PubMed 31618753 (cited by Mayo Clinic Laboratories, Mayo Clinic and Labcorp Genetics (formerly Invitae), Labcorp); PubMed 35220664 (cited by Mayo Clinic Laboratories, Mayo Clinic); PubMed 36285626 (cited by Mayo Clinic Laboratories, Mayo Clinic and Labcorp Genetics (formerly Invitae), Labcorp); PubMed 37528081 (cited by Mayo Clinic Laboratories, Mayo Clinic and Labcorp Genetics (formerly Invitae), Labcorp); PubMed 17576681 (cited by Labcorp Genetics (formerly Invitae), Labcorp); PubMed 9536098 (cited by Labcorp Genetics (formerly Invitae), Labcorp).

NM_015294.6(TRIM37):c.493-2A>G

Gene: TRIM37 (tripartite motif containing 37; minus strand). Cytogenetic location: 17q22.
Variant type: single nucleotide variant.
Coding change: c.493-2A>G on transcript NM_015294.6 (MANE Select); the canonical splice acceptor site of the intron before coding-DNA position 493, A replaced by G.
Molecular consequence: splice acceptor variant.
Genome position (GRCh38, 1-based): chr17:59,079,879, T>C on the plus strand (A>G on the coding strand, the complement: TRIM37 is on the minus strand). VCF-style: chr17-59079879-T-C. GRCh37 (hg19) VCF-style: chr17-57157240-T-C.
Other names: c.493-2A>G (NM_001320989.3, NM_001005207.5, NM_001353086.2 and 2 more transcripts); c.31-2A>G (NM_001353085.2); c.391-2A>G (NM_001320987.3, NM_001353082.2); c.-260-2A>G (NM_001353083.2); c.127-2A>G (NM_001320990.3).
Identifiers: ClinVar variation 5240 (VCV000005240.10), dbSNP rs186251998, ClinGen allele CA8678595.
Genomic context (GRCh38, chr17:59,079,879, plus strand): 5'-TTCCTAATTTCCCGAACACGCTCATCTTTTGCATTTCTTACAGCTTCTACATTCCTTTCC[T>C]AGAAGATAAAGAGGTAAGAATAATTTTAATTGGGTAAATTTTAAAAACAGAAGCACCACA-3'